The following is an entry in ClinVar:

NM_016011.5(MECR):c.972C>G (p.Phe324Leu)

Gene: MECR (mitochondrial trans-2-enoyl-CoA reductase; minus strand). Cytogenetic location: 1p35.3.
Variant type: single nucleotide variant.
Coding change: c.972C>G on transcript NM_016011.5 (MANE Select); coding-DNA position 972, C replaced by G.
Protein change: p.Phe324Leu; replaces phenylalanine 324 with leucine.
Molecular consequence: missense variant. On other transcripts: non-coding transcript variant (4).
Genome position (GRCh38, 1-based): chr1:29,194,172, G>C on the plus strand (C>G on the coding strand, the complement: MECR is on the minus strand). VCF-style: chr1-29194172-G-C. GRCh37 (hg19) VCF-style: chr1-29520684-G-C.
Other names: c.744C>G, p.Phe248Leu (NM_001024732.4, NM_001349711.2, NM_001349712.2 and 2 more transcripts); c.1077C>G, p.Phe359Leu (NM_001349715.2); c.1056C>G, p.Phe352Leu (NM_001349716.2); c.822C>G, p.Phe274Leu (NM_001349717.2); short protein forms F274L, F324L, F352L, F359L, F248L.
Identifiers: ClinVar variation 3394402 (VCV003394402.2).

ClinVar aggregate classification (germline): Uncertain significance. Review status: criteria provided, multiple submitters, no conflicts (2 of 4 stars). 2 submissions from 2 submitters: Uncertain significance (2). Last evaluated 2025-03-18.

Conditions:
Inborn genetic diseases. Identifiers: MedGen C0950123, MeSH D030342.

gnomAD v4.1: 20 of 1,606,572 alleles (0.0012%); highest among the groups gnomAD compares: Non-Finnish European, 0.0017%; no homozygotes.

Submissions (2):

Labcorp Genetics (formerly Invitae), Labcorp
Classification: Uncertain significance. Last evaluated: 2025-03-18. Review status: criteria provided, single submitter. Criteria: Invitae Variant Classification Sherloc (09022015). Collection method: clinical testing. Allele origin: germline.
Comment: This sequence change replaces phenylalanine, which is neutral and non-polar, with leucine, which is neutral and non-polar, at codon 324 of the MECR protein (p.Phe324Leu). This variant is present in population databases (rs763169735, gnomAD 0.003%). This variant has not been reported in the literature in individuals affected with MECR-related conditions. ClinVar contains an entry for this variant (Variation ID: 3394402). Invitae Evidence Modeling of protein sequence and biophysical properties (such as structural, functional, and spatial information, amino acid conservation, physicochemical variation, residue mobility, and thermodynamic stability) indicates that this missense variant is not expected to disrupt MECR protein function with a negative predictive value of 80%. In summary, the available evidence is currently insufficient to determine the role of this variant in disease. Therefore, it has been classified as a Variant of Uncertain Significance.

Ambry Genetics
Classification: Uncertain significance for Inborn genetic diseases. Last evaluated: 2024-10-03. Review status: criteria provided, single submitter. Criteria: Ambry Variant Classification Scheme 2023. Collection method: clinical testing. Allele origin: germline.